The following is an entry in ClinVar:

NM_000271.5(NPC1):c.3198C>T (p.Thr1066=)

Gene: NPC1 (NPC intracellular cholesterol transporter 1; minus strand). Cytogenetic location: 18q11.2.
Variant type: single nucleotide variant.
Coding change: c.3198C>T on transcript NM_000271.5 (MANE Select); coding-DNA position 3198, C replaced by T.
Protein change: p.Thr1066=; no amino-acid change (threonine 1066 retained).
Molecular consequence: synonymous variant.
Genome position (GRCh38, 1-based): chr18:23,536,720, G>A on the plus strand (C>T on the coding strand, the complement: NPC1 is on the minus strand). VCF-style: chr18-23536720-G-A. GRCh37 (hg19) VCF-style: chr18-21116684-G-A.
Identifiers: ClinVar variation 92709 (VCV000092709.40), dbSNP rs145145840, ClinGen allele CA220564.

ClinVar aggregate classification (germline): Conflicting classifications of pathogenicity. Review status: criteria provided, conflicting classifications (1 of 4 stars). 12 submissions from 12 submitters: Uncertain significance (2); Likely benign (7). 3 of the submissions do not count toward it. Last evaluated 2026-09-01.

Conditions:
Inborn genetic diseases. Identifiers: MedGen C0950123, MeSH D030342.
Niemann-Pick disease, type C1. Also called: NIEMANN-PICK DISEASE, VARIANT TYPE C1; NEUROVISCERAL STORAGE DISEASE WITH VERTICAL SUPRANUCLEAR OPHTHALMOPLEGIA; NIEMANN-PICK DISEASE WITH CHOLESTEROL ESTERIFICATION BLOCK; NIEMANN-PICK DISEASE WITHOUT SPHINGOMYELINASE DEFICIENCY; NIEMANN-PICK DISEASE, CHRONIC NEURONOPATHIC FORM. Identifiers: Orphanet 646, MedGen C3179455, MONDO:0009757, OMIM 257220.

Allele frequency attached by ClinVar (database versions not stated): 1000 Genomes Project 30x 0.00031; 1000 Genomes Project 0.00040; TOPMed 0.00083; gnomAD 0.00096 and 0.00103; gnomAD exomes 0.00104 and 0.00118; ESP Exome Variant Server 0.00108; ExAC 0.00123.
gnomAD v4.1: 1,849 of 1,614,144 alleles (0.11%); highest among the groups gnomAD compares: Non-Finnish European, 0.14%; 5 homozygotes.

Submissions (12):

CeGaT Center for Human Genetics Tuebingen
Classification: Likely benign. Last evaluated: 2026-09-01. Review status: criteria provided, single submitter. Criteria: CeGaT Center For Human Genetics Tuebingen Variant Classification Criteria Version 2. Collection method: clinical testing. Allele origin: germline. Affected: yes. Observed: 3 variant alleles.
Comment: NPC1: BP4, BP7

Labcorp Genetics (formerly Invitae), Labcorp
Classification: Likely benign for Niemann-Pick disease, type C1. Last evaluated: 2026-02-02. Review status: criteria provided, single submitter. Criteria: Invitae Variant Classification Sherloc (09022015). Collection method: clinical testing. Allele origin: germline.

Blueprint Genetics
Classification: Likely benign. Last evaluated: 2024-11-28. Review status: criteria provided, single submitter. Criteria: ACMG Guidelines, 2015. Collection method: clinical testing. Allele origin: germline.

Ambry Genetics
Classification: Likely benign for Inborn genetic diseases. Last evaluated: 2022-05-14. Review status: criteria provided, single submitter. Criteria: Ambry Variant Classification Scheme 2023. Collection method: clinical testing. Allele origin: germline.

GeneDx
Classification: Likely benign. Last evaluated: 2020-03-11. Review status: criteria provided, single submitter. Criteria: GeneDx Variant Classification Process June 2021. Collection method: clinical testing. Allele origin: germline. Affected: yes.

Eurofins Ntd Llc (ga)
Classification: Uncertain significance. Last evaluated: 2018-08-23. Review status: criteria provided, single submitter. Criteria: EGL ClinVar v180209 classification definitions. Collection method: clinical testing. Allele origin: germline. Observed: 9 variant alleles, 9 heterozygotes.

Illumina Laboratory Services, Illumina
Classification: Uncertain significance for Niemann-Pick disease type C1. Last evaluated: 2017-04-27. Review status: criteria provided, single submitter. Criteria: ICSL Variant Classification Criteria 13 December 2019. Collection method: clinical testing. Allele origin: germline.

Clinical Genetics DNA and cytogenetics Diagnostics Lab, Erasmus MC, Erasmus Medical Center
Classification: Likely benign for Niemann-Pick disease, type C1. Last evaluated: 2015-09-21. Review status: criteria provided, single submitter. Criteria: ACGS Guidelines, 2013. Collection method: clinical testing. Allele origin: germline. Affected: yes. Study: VKGL Data-share Consensus.

PreventionGenetics, part of Exact Sciences
Classification: Likely benign. Review status: criteria provided, single submitter. Criteria: ACMG Guidelines, 2015. Collection method: clinical testing. Allele origin: germline.

Natera, Inc.
Classification: Likely benign for Niemann-Pick disease type C1. Last evaluated: 2020-05-04. Review status: no assertion criteria provided. Collection method: clinical testing. Allele origin: germline. Not counted in ClinVar's aggregate classification.

Genome Diagnostics Laboratory, Amsterdam University Medical Center
Classification: Likely benign for Niemann-Pick disease, type C1. Last evaluated: 2016-06-13. Review status: no assertion criteria provided. Criteria: ACGS Guidelines, 2013. Collection method: clinical testing. Allele origin: germline. Affected: yes. Study: VKGL Data-share Consensus. Not counted in ClinVar's aggregate classification.

Diagnostic Laboratory, Department of Genetics, University Medical Center Groningen
Classification: Likely benign for Niemann-Pick disease, type C1. Review status: no assertion criteria provided. Collection method: clinical testing. Allele origin: germline. Affected: yes. Study: VKGL Data-share Consensus. Not counted in ClinVar's aggregate classification.